The following is an entry in ClinVar:

NM_007129.5(ZIC2):c.199C>T (p.His67Tyr)

Gene: ZIC2 (Zic family zinc finger 2; plus strand). Cytogenetic location: 13q32.3.
Variant type: single nucleotide variant.
Coding change: c.199C>T on transcript NM_007129.5 (MANE Select); coding-DNA position 199, C replaced by T.
Protein change: p.His67Tyr; replaces histidine 67 with tyrosine.
Molecular consequence: missense variant.
Genome position (GRCh38, 1-based): chr13:99,982,263, C>T. VCF-style: chr13-99982263-C-T. GRCh37 (hg19) VCF-style: chr13-100634517-C-T.
Other names: short protein forms H67Y.
Identifiers: ClinVar variation 3647755 (VCV003647755.2).

ClinVar aggregate classification (germline): Uncertain significance (1 of 4 stars; one submission).

Conditions:
Holoprosencephaly 5 (HPE5). Identifiers: Orphanet 2162, MedGen C1864827, MONDO:0012322, OMIM 609637.

Submission:

Labcorp Genetics (formerly Invitae), Labcorp
Classification: Uncertain significance for Holoprosencephaly 5. Last evaluated: 2024-05-02. Review status: criteria provided, single submitter. Criteria: Invitae Variant Classification Sherloc (09022015). Collection method: clinical testing. Allele origin: germline.
Comment: This sequence change replaces histidine, which is basic and polar, with tyrosine, which is neutral and polar, at codon 67 of the ZIC2 protein (p.His67Tyr). This variant is not present in population databases (gnomAD no frequency). This variant has not been reported in the literature in individuals affected with ZIC2-related conditions. Advanced modeling of protein sequence and biophysical properties (such as structural, functional, and spatial information, amino acid conservation, physicochemical variation, residue mobility, and thermodynamic stability) has been performed at Invitae for this missense variant, however the output from this modeling did not meet the statistical confidence thresholds required to predict the impact of this variant on ZIC2 protein function. In summary, the available evidence is currently insufficient to determine the role of this variant in disease. Therefore, it has been classified as a Variant of Uncertain Significance.